The following is an entry in ClinVar:

NC_000003.11:g.(?_142168076)_(142297576_?)del

Gene: ATR (ATR checkpoint kinase; minus strand). Cytogenetic location: 3q23.
Variant type: Deletion.
Identifiers: ClinVar variation 4525892 (VCV004525892.1).

ClinVar aggregate classification (germline): Pathogenic (1 of 4 stars; one submission).

Conditions:
Seckel syndrome 1 (SCKL1). Also called: MICROCEPHALIC PRIMORDIAL DWARFISM I. Identifiers: Orphanet 808, MedGen C4551474, MONDO:0008869, OMIM 210600.

Submission:

Women's Health and Genetics/Laboratory Corporation of America, LabCorp
Classification: Pathogenic for Seckel syndrome 1. Last evaluated: 2025-07-15. Review status: criteria provided, single submitter. Criteria: LabCorp Variant Classification Summary - May 2015. Collection method: clinical testing. Allele origin: germline.
Comment: Variant summary: The variant involves the deletion of exons 1-47 in the ATR gene. A presumed nomenclature of c.(?_-30)_(*195_?)del has been designated for the purposes of this classification. This deletion includes the entire coding sequence of the gene. As the exact proximal and distal breakpoints are unknown, it may extend beyond the annotated region of the gene to include other flanking genes. The variant was absent in 21694 control chromosomes. While there are reports of multigenic deletions including the ATR gene among individuals with ATR-related conditions (example, PMID: 23111928), to our knowledge, no occurrence of c.(?_-30)_(*195_?)del in isolation in individuals affected with Seckel Syndrome 1 and no experimental evidence demonstrating its impact on protein function have been reported. No submitters have cited clinical-significance assessments for this variant to ClinVar. Based on the evidence outlined above, the variant was classified as pathogenic.